The following is an entry in ClinVar:

ClinVar aggregate classification (germline): Uncertain significance (1 of 4 stars; one submission).

gnomAD v4.1: 13 of 1,591,116 alleles (0.00082%); highest among the groups gnomAD compares: South Asian, 0.0099%; no homozygotes.

Submission:

Labcorp Genetics (formerly Invitae), Labcorp
Classification: Uncertain significance. Last evaluated: 2024-06-12. Review status: criteria provided, single submitter. Criteria: Invitae Variant Classification Sherloc (09022015). Collection method: clinical testing. Allele origin: germline.
Comment: This sequence change affects a donor splice site in intron 3 of the GCKR gene. It is expected to disrupt RNA splicing. Variants that disrupt the donor or acceptor splice site typically lead to a loss of protein function (PMID: 16199547), however the current clinical and genetic evidence is not sufficient to establish whether loss-of-function variants in GCKR cause disease. This variant is present in population databases (rs745447956, gnomAD 0.003%). This variant has not been reported in the literature in individuals affected with GCKR-related conditions. Algorithms developed to predict the effect of sequence changes on RNA splicing suggest that this variant may disrupt the consensus splice site. In summary, the available evidence is currently insufficient to determine the role of this variant in disease. Therefore, it has been classified as a Variant of Uncertain Significance.

Literature cited by the submitters: PubMed 16199547.

NM_001486.4(GCKR):c.285+2T>G

Gene: GCKR (glucokinase regulator; plus strand). Cytogenetic location: 2p23.3.
Variant type: single nucleotide variant.
Coding change: c.285+2T>G on transcript NM_001486.4 (MANE Select); the canonical splice donor site of the intron after coding-DNA position 285, T replaced by G.
Molecular consequence: splice donor variant.
Genome position (GRCh38, 1-based): chr2:27,497,632, T>G. VCF-style: chr2-27497632-T-G. GRCh37 (hg19) VCF-style: chr2-27720499-T-G.
Identifiers: ClinVar variation 3718716 (VCV003718716.2).